The following is an entry in ClinVar:

ClinVar aggregate classification (germline): Likely benign (1 of 4 stars; one submission).

Submission:

CeGaT Center for Human Genetics Tuebingen
Classification: Likely benign. Last evaluated: 2025-01-01. Review status: criteria provided, single submitter. Criteria: CeGaT Center For Human Genetics Tuebingen Variant Classification Criteria Version 2. Collection method: clinical testing. Allele origin: germline. Affected: yes. Observed: 1 variant allele.
Comment: ARHGAP4: BS2

NM_001666.5(ARHGAP4):c.682-390_682-378del

Gene: ARHGAP4 (Rho GTPase activating protein 4; minus strand). Cytogenetic location: Xq28.
Variant type: Deletion.
Coding change: c.682-390_682-378del on transcript NM_001666.5 (MANE Select); 390 bases into the intron before coding-DNA position 682 through 378 bases into the intron before coding-DNA position 682, 13 bases deleted (AGAGGCCTGTGGC).
Molecular consequence: intron variant. On other transcripts: frameshift variant (1).
Genome position (GRCh38, 1-based): chrX:153,919,661-153,919,673, GCCACAGGCCTCT deleted on the plus strand (AGAGGCCTGTGGC on the coding strand, the reverse complement: ARHGAP4 is on the minus strand); deleting any 13 consecutive bases within chrX:153,919,661-153,919,675 gives the same sequence; the c. name uses the placement nearest the transcript's 3' end. VCF-style (leftmost placement, unchanged base first): chrX-153919660-GGCCACAGGCCTCT-G. GRCh37 (hg19) VCF-style: chrX-153185114-GGCCACAGGCCTCT-G.
Other names: c.695_707del, p.Gln232fs (NM_001164741.2); short protein forms Q232fs.
Identifiers: ClinVar variation 3771144 (VCV003771144.13).